The following is an entry in ClinVar:

NM_152383.5(DIS3L2):c.1619G>A (p.Arg540His)

Gene: DIS3L2 (DIS3 like 3'-5' exoribonuclease 2; plus strand). Cytogenetic location: 2q37.1.
Variant type: single nucleotide variant.
Coding change: c.1619G>A on transcript NM_152383.5 (MANE Select); coding-DNA position 1619, G replaced by A.
Protein change: p.Arg540His; replaces arginine 540 with histidine.
Molecular consequence: missense variant. On other transcripts: non-coding transcript variant (2), intron variant (1).
Genome position (GRCh38, 1-based): chr2:232,263,400, G>A. VCF-style: chr2-232263400-G-A. GRCh37 (hg19) VCF-style: chr2-233128110-G-A.
Other names: c.1581+38G>A (NM_001257281.2); short protein forms R540H.
Identifiers: ClinVar variation 1370147 (VCV001370147.6), dbSNP rs1008119802, ClinGen allele CA66901580.
Genomic context (GRCh38, chr2:232,263,400, plus strand): 5'-ATAGCAGCGAGGAGGTACACCAGGCCGTCTTGAATCTCCACGGAATTGCCAAGCAGTTAC[G>A]CCAGCAGCGCTTTGTGGACGGCGCACTTCGTTTGGATCAGGTCAGTACGTGTTTTTTTAG-3'
Protein context (NP_689596.4, residues 530-550): LNLHGIAKQL[Arg540His]QQRFVDGALR

ClinVar aggregate classification (germline): Uncertain significance (1 of 4 stars; one submission).

Conditions:
Perlman syndrome (PRLMNS). Identifiers: Orphanet 2849, MedGen C0796113, MONDO:0009965, OMIM 267000.

Allele frequency attached by ClinVar (database versions not stated): gnomAD exomes below 0.00001; gnomAD 0.00001.
gnomAD v4.1: 10 of 1,614,038 alleles (0.00062%); highest among the groups gnomAD compares: African/African-American, 0.0027%; no homozygotes.

Submission:

Labcorp Genetics (formerly Invitae), Labcorp
Classification: Uncertain significance for Perlman syndrome. Last evaluated: 2023-10-28. Review status: criteria provided, single submitter. Criteria: Invitae Variant Classification Sherloc (09022015). Collection method: clinical testing. Allele origin: germline.
Comment: This sequence change replaces arginine, which is basic and polar, with histidine, which is basic and polar, at codon 540 of the DIS3L2 protein (p.Arg540His). This variant is present in population databases (no rsID available, gnomAD 0.007%). This variant has not been reported in the literature in individuals affected with DIS3L2-related conditions. ClinVar contains an entry for this variant (Variation ID: 1370147). Advanced modeling of protein sequence and biophysical properties (such as structural, functional, and spatial information, amino acid conservation, physicochemical variation, residue mobility, and thermodynamic stability) performed at Invitae indicates that this missense variant is expected to disrupt DIS3L2 protein function with a positive predictive value of 80%. In summary, the available evidence is currently insufficient to determine the role of this variant in disease. Therefore, it has been classified as a Variant of Uncertain Significance.